The following is an entry in ClinVar:

ClinVar aggregate classification (germline): Uncertain significance (1 of 4 stars; one submission).

Conditions:
Hereditary cancer-predisposing syndrome. Also called: Neoplastic Syndromes, Hereditary; Tumor predisposition; Hereditary neoplastic syndrome; Hereditary Cancer Syndrome. Identifiers: Orphanet 140162, MedGen C0027672, MeSH D009386, MONDO:0015356.

Submission:

Labcorp Genetics (formerly Invitae), Labcorp
Classification: Uncertain significance for Hereditary cancer-predisposing syndrome. Last evaluated: 2025-04-21. Review status: criteria provided, single submitter. Criteria: Invitae Variant Classification Sherloc (09022015). Collection method: clinical testing. Allele origin: germline.
Comment: This sequence change replaces arginine, which is basic and polar, with glycine, which is neutral and non-polar, at codon 617 of the RAD50 protein (p.Arg617Gly). This variant is not present in population databases (gnomAD no frequency). This variant has not been reported in the literature in individuals affected with RAD50-related conditions. ClinVar contains an entry for this variant (Variation ID: 663193). Invitae Evidence Modeling of protein sequence and biophysical properties (such as structural, functional, and spatial information, amino acid conservation, physicochemical variation, residue mobility, and thermodynamic stability) indicates that this missense variant is not expected to disrupt RAD50 protein function with a negative predictive value of 80%. In summary, the available evidence is currently insufficient to determine the role of this variant in disease. Therefore, it has been classified as a Variant of Uncertain Significance.

NM_005732.4(RAD50):c.1849A>G (p.Arg617Gly)

Gene: RAD50 (RAD50 double strand break repair protein; plus strand). Cytogenetic location: 5q31.1.
Variant type: single nucleotide variant.
Coding change: c.1849A>G on transcript NM_005732.4 (MANE Select); coding-DNA position 1849, A replaced by G.
Protein change: p.Arg617Gly; replaces arginine 617 with glycine.
Molecular consequence: missense variant.
Genome position (GRCh38, 1-based): chr5:132,594,924, A>G. VCF-style: chr5-132594924-A-G. GRCh37 (hg19) VCF-style: chr5-131930616-A-G.
Other names: short protein forms R617G.
Identifiers: ClinVar variation 663193 (VCV000663193.9), dbSNP rs1580996438, ClinGen allele CA360947706.